The following is an entry in ClinVar:

ClinVar aggregate classification (germline): Uncertain significance (1 of 4 stars; one submission).

Allele frequency attached by ClinVar (database versions not stated): gnomAD exomes below 0.00001; TOPMed below 0.00001.
gnomAD v4.1: 1 of 1,614,066 alleles (0.000062%); highest among the groups gnomAD compares: Non-Finnish European, 0.000085%; no homozygotes.

Submission:

Labcorp Genetics (formerly Invitae), Labcorp
Classification: Uncertain significance. Last evaluated: 2022-08-07. Review status: criteria provided, single submitter. Criteria: Invitae Variant Classification Sherloc (09022015). Collection method: clinical testing. Allele origin: germline.
Comment: This sequence change falls in intron 9 of the TPP1 gene. It does not directly change the encoded amino acid sequence of the TPP1 protein. It affects a nucleotide within the consensus splice site. This variant is not present in population databases (gnomAD no frequency). This variant has not been reported in the literature in individuals affected with TPP1-related conditions. Variants that disrupt the consensus splice site are a relatively common cause of aberrant splicing (PMID: 17576681, 9536098). Algorithms developed to predict the effect of sequence changes on RNA splicing suggest that this variant is not likely to affect RNA splicing. In summary, the available evidence is currently insufficient to determine the role of this variant in disease. Therefore, it has been classified as a Variant of Uncertain Significance.

Literature cited by the submitters: PubMed 17576681; PubMed 9536098.

NM_000391.4(TPP1):c.1145+6T>C

Gene: TPP1 (tripeptidyl peptidase 1; minus strand). Cytogenetic location: 11p15.4.
Variant type: single nucleotide variant.
Coding change: c.1145+6T>C on transcript NM_000391.4 (MANE Select); 6 bases into the intron after coding-DNA position 1145, T replaced by C.
Molecular consequence: intron variant.
Genome position (GRCh38, 1-based): chr11:6,615,999, A>G on the plus strand (T>C on the coding strand, the complement: TPP1 is on the minus strand). VCF-style: chr11-6615999-A-G. GRCh37 (hg19) VCF-style: chr11-6637230-A-G.
Identifiers: ClinVar variation 2022429 (VCV002022429.1), dbSNP rs1855574210, ClinGen allele CA1950235492.
Genomic context (GRCh38, chr11:6,615,999, plus strand): 5'-TTCTACATCATGAGATCACAAGTGAAAGGTGGTGGTTATACCTGAGTGGTAGGCTAGAGT[A>G]CTTACCTGGAGGCAGGGAAGGTAGGGCGGAACTGGTGTCTTCCAGAGACAGACCAACACC-3'